The following is an entry in ClinVar:

NM_014159.7(SETD2):c.3897C>T (p.Tyr1299=)

Gene: SETD2 (SET domain containing 2, histone lysine methyltransferase; minus strand). Cytogenetic location: 3p21.31.
Variant type: single nucleotide variant.
Coding change: c.3897C>T on transcript NM_014159.7 (MANE Select); coding-DNA position 3897, C replaced by T.
Protein change: p.Tyr1299=; no amino-acid change (tyrosine 1299 retained).
Molecular consequence: synonymous variant. On other transcripts: non-coding transcript variant (1).
Genome position (GRCh38, 1-based): chr3:47,120,739, G>A on the plus strand (C>T on the coding strand, the complement: SETD2 is on the minus strand). VCF-style: chr3-47120739-G-A. GRCh37 (hg19) VCF-style: chr3-47162229-G-A.
Other names: c.3765C>T, p.Tyr1255= (NM_001349370.3).
Identifiers: ClinVar variation 542247 (VCV000542247.26), dbSNP rs150036725, ClinGen allele CA2363300.
Genomic context (GRCh38, chr3:47,120,739, plus strand): 5'-CACAACCCCAGTTCCAGGAGGTCTACCTGATCTTGGATCCCAGTAACCATTGCCTTGCCA[G>A]TAATCACGTGTCCCACCATACTGTTCTGCATTTTGCTGATACTTGTGTCCACCACAAGCT-3'
Protein context (NP_054878.5, residues 1289-1309): NAEQYGGTRD[Tyr1299=]WQGNGYWDPR

ClinVar aggregate classification (germline): Likely benign. Review status: criteria provided, multiple submitters, no conflicts (2 of 4 stars). 5 submissions from 5 submitters: Likely benign (4). 1 of the submissions does not count toward it. Last evaluated 2025-07-01.

Conditions:
Luscan-Lumish syndrome. Identifiers: Orphanet 597738, MedGen C4085873, MONDO:0014791, OMIM 616831.
SETD2-related disorder.

Allele frequency attached by ClinVar (database versions not stated): ExAC 0.00009; gnomAD exomes 0.00016 and 0.00034; gnomAD 0.00021 and 0.00022; ESP Exome Variant Server 0.00023; TOPMed 0.00031.
gnomAD v4.1: 529 of 1,614,066 alleles (0.033%); highest among the groups gnomAD compares: Non-Finnish European, 0.041%; no homozygotes.

Submissions (5):

CeGaT Center for Human Genetics Tuebingen
Classification: Likely benign. Last evaluated: 2025-07-01. Review status: criteria provided, single submitter. Criteria: CeGaT Center For Human Genetics Tuebingen Variant Classification Criteria Version 2. Collection method: clinical testing. Allele origin: germline. Affected: yes. Observed: 2 variant alleles.
Comment: SETD2: BP4, BP7

Labcorp Genetics (formerly Invitae), Labcorp
Classification: Likely benign for Luscan-Lumish syndrome. Last evaluated: 2024-11-21. Review status: criteria provided, single submitter. Criteria: Invitae Variant Classification Sherloc (09022015). Collection method: clinical testing. Allele origin: germline.

Blueprint Genetics
Classification: Likely benign. Last evaluated: 2024-11-13. Review status: criteria provided, single submitter. Criteria: ACMG Guidelines, 2015. Collection method: clinical testing. Allele origin: germline.

Fulgent Genetics
Classification: Likely benign for Luscan-Lumish syndrome. Last evaluated: 2021-08-10. Review status: criteria provided, single submitter. Criteria: ACMG Guidelines, 2015. Collection method: clinical testing. Allele origin: unknown.

PreventionGenetics, part of Exact Sciences
Classification: Likely benign for SETD2-related condition. Last evaluated: 2019-07-24. Review status: no assertion criteria provided. Collection method: clinical testing. Allele origin: germline. Not counted in ClinVar's aggregate classification.
Comment: This variant is classified as likely benign based on ACMG/AMP sequence variant interpretation guidelines (Richards et al. 2015 PMID: 25741868, with internal and published modifications).